The following is an entry in ClinVar:

ClinVar aggregate classification (germline): Pathogenic. Review status: criteria provided, multiple submitters, no conflicts (2 of 4 stars). 5 submissions from 5 submitters: Pathogenic (4). 1 of the submissions does not count toward it. Last evaluated 2026-05-04.

Conditions:
Galactosylceramide beta-galactosidase deficiency. Also called: GALACTOCEREBROSIDASE DEFICIENCY; GALC DEFICIENCY; GLOBOID CELL LEUKOENCEPHALOPATHY; Leukodystrophy, Globoid Cell; Krabbe Disease. Identifiers: Orphanet 487, MedGen C0023521, MONDO:0009499, OMIM 245200.

Allele frequency attached by ClinVar (database versions not stated): gnomAD exomes below 0.00001.
gnomAD v4.1: 6 of 1,610,080 alleles (0.00037%); highest among the groups gnomAD compares: South Asian, 0.0055%; no homozygotes.

Submissions (5):

Women's Health and Genetics/Laboratory Corporation of America, LabCorp
Classification: Pathogenic for Galactosylceramide beta-galactosidase deficiency. Last evaluated: 2026-05-04. Review status: criteria provided, single submitter. Criteria: LabCorp Variant Classification Summary - May 2015. Collection method: clinical testing. Allele origin: germline.
Comment: Variant summary: GALC c.1890T>A (p.Tyr630X) results in a premature termination codon in the penultimate exon and is predicted to cause a truncation of the encoded protein, however, nonsense mediated decay is not expected to occur. At least one downstream variant has been classified as pathogenic (c.1901T>C, p.Leu634Ser) by our lab, providing evidence that the region altered by the variant is critical to protein function. The variant allele was found at a frequency of 4e-06 in 248834 control chromosomes. To our knowledge, no occurrence of c.1890T>A in individuals affected with GALC-related conditions and no experimental evidence demonstrating its impact on protein function have been reported. ClinVar contains an entry for this variant (Variation ID: 370392). Based on the evidence outlined above, the variant was classified as pathogenic.

Foundation for Research in Genetics and Endocrinology, FRIGE's Institute of Human Genetics
Classification: Pathogenic for Galactosylceramide beta-galactosidase deficiency. Last evaluated: 2025-11-07. Review status: criteria provided, single submitter. Criteria: ACMG Guidelines, 2015. Collection method: clinical testing. Allele origin: germline. Inheritance: Autosomal recessive inheritance. Affected: yes. Observed: 1 variant allele, 1 homozygote.
Comment: A homozygous nonsense variant in exon 16 of the GALC gene that results in a stop codon and premature truncation of the protein at codon 630 (p.Tyr630Ter) was detected. This variant has not been reported in the 1000 genomes and has a minor allele frequency of 0.0004% in the gnomAD database. The in-silico predictions of the variant is deleterious by MutationTaster2, DANN. In summary the variant meets our criteria to be classified as pathogenic

Labcorp Genetics (formerly Invitae), Labcorp
Classification: Pathogenic for Galactosylceramide beta-galactosidase deficiency. Last evaluated: 2022-07-08. Review status: criteria provided, single submitter. Criteria: Invitae Variant Classification Sherloc (09022015). Collection method: clinical testing. Allele origin: germline.
Comment: This sequence change creates a premature translational stop signal (p.Tyr630*) in the GALC gene. While this is not anticipated to result in nonsense mediated decay, it is expected to disrupt the last 56 amino acid(s) of the GALC protein. This variant is present in population databases (no rsID available, gnomAD 0.003%). This variant has not been reported in the literature in individuals affected with GALC-related conditions. For these reasons, this variant has been classified as Pathogenic. ClinVar contains an entry for this variant (Variation ID: 370392). Algorithms developed to predict the effect of sequence changes on RNA splicing suggest that this variant may create or strengthen a splice site. This variant disrupts a region of the GALC protein in which other variant(s) (p.Val681) have been determined to be pathogenic (PMID: 23462331, 31885218). This suggests that this is a clinically significant region of the protein, and that variants that disrupt it are likely to be disease-causing.

GeneDx
Classification: Pathogenic. Last evaluated: 2017-06-15. Review status: criteria provided, single submitter. Criteria: GeneDx Variant Classification (06012015). Collection method: clinical testing. Allele origin: germline. Affected: yes.
Comment: The Y630X nonsense variant in the GALC gene is predicted to cause loss of normal protein function through protein truncation. Other nonsense variants including one downstream of Y630X (W663X) have been reported in the Human Gene Mutation Database in association withKrabbe disease (Stenson et al., 2014). Therefore, although this variant has not beenreported previously to our knowledge, we interpret it to be pathogenic.

Counsyl
Classification: Likely pathogenic for Galactosylceramide beta-galactosidase deficiency. Last evaluated: 2016-02-01. Review status: no assertion criteria provided. Collection method: clinical testing. Allele origin: unknown. Not counted in ClinVar's aggregate classification.

Literature cited by the submitters: PubMed 23462331 (cited by Labcorp Genetics (formerly Invitae), Labcorp); PubMed 31885218 (cited by Labcorp Genetics (formerly Invitae), Labcorp).

NM_000153.4(GALC):c.1890T>A (p.Tyr630Ter)

Gene: GALC (galactosylceramidase; minus strand). Cytogenetic location: 14q31.3.
Variant type: single nucleotide variant.
Coding change: c.1890T>A on transcript NM_000153.4 (MANE Select); coding-DNA position 1890, T replaced by A.
Protein change: p.Tyr630Ter; replaces tyrosine 630 with a stop codon.
Molecular consequence: nonsense.
Genome position (GRCh38, 1-based): chr14:87,939,926, A>T on the plus strand (T>A on the coding strand, the complement: GALC is on the minus strand). VCF-style: chr14-87939926-A-T. GRCh37 (hg19) VCF-style: chr14-88406270-A-T.
Other names: p.Tyr630Ter; c.1821T>A, p.Tyr607Ter (NM_001201401.2); c.1812T>A, p.Tyr604Ter (NM_001201402.2); short protein forms Y630*, Y604*, Y607*.
Identifiers: ClinVar variation 370392 (VCV000370392.11), dbSNP rs1057516453, ClinGen allele CA16041690.